The following is an entry in ClinVar:

NM_007347.5(AP4E1):c.1549-79G>A

Gene: AP4E1 (adaptor related protein complex 4 subunit epsilon 1; plus strand). Cytogenetic location: 15q21.2.
Variant type: single nucleotide variant.
Coding change: c.1549-79G>A on transcript NM_007347.5 (MANE Select); 79 bases into the intron before coding-DNA position 1549, G replaced by A.
Molecular consequence: intron variant.
Genome position (GRCh38, 1-based): chr15:50,958,413, G>A. VCF-style: chr15-50958413-G-A. GRCh37 (hg19) VCF-style: chr15-51250610-G-A.
Other names: c.1324-79G>A (NM_001252127.2).
Identifiers: ClinVar variation 680051 (VCV000680051.2), dbSNP rs78037097, ClinGen allele CA270534500.

ClinVar aggregate classification (germline): Benign. Review status: criteria provided, multiple submitters, no conflicts (2 of 4 stars). 2 submissions from 2 submitters: Benign (2). Last evaluated 2018-06-14.

Allele frequency attached by ClinVar (database versions not stated): 1000 Genomes Project 0.00539; 1000 Genomes Project 30x 0.00562; TOPMed 0.01147; gnomAD 0.01454 and 0.01531.
gnomAD v4.1: 20,034 of 1,190,324 alleles (1.7%); highest among the groups gnomAD compares: Non-Finnish European, 1.9%; 251 homozygotes.

Submissions (2):

GeneDx
Classification: Benign. Last evaluated: 2018-06-14. Review status: criteria provided, single submitter. Criteria: GeneDx Variant Classification (06012015). Collection method: clinical testing. Allele origin: germline. Affected: yes.
Comment: This variant is considered likely benign or benign based on one or more of the following criteria: it is a conservative change, it occurs at a poorly conserved position in the protein, it is predicted to be benign by multiple in silico algorithms, and/or has population frequency not consistent with disease.

Breakthrough Genomics
Classification: Benign. Review status: criteria provided, single submitter. Criteria: ACMG Guidelines, 2015. Collection method: not provided. Allele origin: germline. Inheritance: Autosomal recessive inheritance. Affected: yes.